The following is an entry in ClinVar:

NM_032119.4(ADGRV1):c.7763A>C (p.Asn2588Thr)

Gene: ADGRV1 (adhesion G protein-coupled receptor V1; plus strand). Cytogenetic location: 5q14.3.
Variant type: single nucleotide variant.
Coding change: c.7763A>C on transcript NM_032119.4 (MANE Select); coding-DNA position 7763, A replaced by C.
Protein change: p.Asn2588Thr; replaces asparagine 2588 with threonine.
Molecular consequence: missense variant. On other transcripts: non-coding transcript variant (1).
Genome position (GRCh38, 1-based): chr5:90,694,519, A>C. VCF-style: chr5-90694519-A-C. GRCh37 (hg19) VCF-style: chr5-89990336-A-C.
Other names: c.7763A>C (NM_032119.3); short protein forms N2588T.
Identifiers: ClinVar variation 1974680 (VCV001974680.6), dbSNP rs746026845, ClinGen allele CA122797412.

ClinVar aggregate classification (germline): Conflicting classifications of pathogenicity. Review status: criteria provided, conflicting classifications (1 of 4 stars). 2 submissions from 2 submitters: Uncertain significance (1); Likely benign (1). Last evaluated 2025-09-01.

gnomAD v4.1: 5 of 1,613,802 alleles (0.00031%); highest among the groups gnomAD compares: Admixed American, 0.0033%; no homozygotes.

Submissions (2):

Labcorp Genetics (formerly Invitae), Labcorp
Classification: Likely benign. Last evaluated: 2025-09-01. Review status: criteria provided, single submitter. Criteria: Invitae Variant Classification Sherloc (09022015). Collection method: clinical testing. Allele origin: germline.

GeneDx
Classification: Uncertain significance. Last evaluated: 2025-03-05. Review status: criteria provided, single submitter. Criteria: GeneDx Variant Classification Process June 2021. Collection method: clinical testing. Allele origin: germline. Affected: yes.
Comment: Not observed at significant frequency in large population cohorts (gnomAD); In silico analysis supports that this missense variant has a deleterious effect on protein structure/function; Has not been previously published as pathogenic or benign to our knowledge